The following is an entry in ClinVar:

ClinVar aggregate classification (germline): Uncertain significance (1 of 4 stars; one submission).

Allele frequency attached by ClinVar (database versions not stated): TOPMed below 0.00001.

Submission:

Labcorp Genetics (formerly Invitae), Labcorp
Classification: Uncertain significance. Last evaluated: 2022-04-07. Review status: criteria provided, single submitter. Criteria: Invitae Variant Classification Sherloc (09022015). Collection method: clinical testing. Allele origin: germline.
Comment: This sequence change replaces threonine, which is neutral and polar, with isoleucine, which is neutral and non-polar, at codon 343 of the TYR protein (p.Thr343Ile). This variant is not present in population databases (gnomAD no frequency). This variant has not been reported in the literature in individuals affected with TYR-related conditions. Advanced modeling of protein sequence and biophysical properties (such as structural, functional, and spatial information, amino acid conservation, physicochemical variation, residue mobility, and thermodynamic stability) performed at Invitae indicates that this missense variant is expected to disrupt TYR protein function. In summary, the available evidence is currently insufficient to determine the role of this variant in disease. Therefore, it has been classified as a Variant of Uncertain Significance.

NM_000372.5(TYR):c.1028C>T (p.Thr343Ile)

Gene: TYR (tyrosinase; plus strand). Cytogenetic location: 11q14.3.
Variant type: single nucleotide variant.
Coding change: c.1028C>T on transcript NM_000372.5 (MANE Select); coding-DNA position 1028, C replaced by T.
Protein change: p.Thr343Ile; replaces threonine 343 with isoleucine.
Molecular consequence: missense variant.
Genome position (GRCh38, 1-based): chr11:89,191,410, C>T. VCF-style: chr11-89191410-C-T. GRCh37 (hg19) VCF-style: chr11-88924578-C-T.
Other names: short protein forms T343I.
Identifiers: ClinVar variation 2122672 (VCV002122672.4), dbSNP rs1211293645, ClinGen allele CA382036107.